The following is an entry in ClinVar:

NM_001367805.3(KIF23):c.2089G>A (p.Val697Ile)

Gene: KIF23 (kinesin family member 23; plus strand). Cytogenetic location: 15q23.
Variant type: single nucleotide variant.
Coding change: c.2089G>A on transcript NM_001367805.3 (MANE Select); coding-DNA position 2089, G replaced by A.
Protein change: p.Val697Ile; replaces valine 697 with isoleucine.
Molecular consequence: missense variant. On other transcripts: non-coding transcript variant (2).
Genome position (GRCh38, 1-based): chr15:69,440,467, G>A. VCF-style: chr15-69440467-G-A. GRCh37 (hg19) VCF-style: chr15-69732806-G-A.
Other names: p.Val683Ile; c.1717G>A, p.Val573Ile (NM_001281301.2); c.2047G>A, p.Val683Ile (NM_001367804.2, NM_004856.7, NM_138555.4); short protein forms V573I, V683I, V697I.
Identifiers: ClinVar variation 1693650 (VCV001693650.12), dbSNP rs376569877, ClinGen allele CA7635309.
Genomic context (GRCh38, chr15:69,440,467, plus strand): 5'-ACTGAGAAGCCAGAGAGACCCTCTCGGGAGCGAGATCGAGAAAAAGTTACTCAAAGATCT[G>A]TTTCTCCATCACCTGTGCCTGTAAGTTATTTGTAATTGTGTAGTAACTTTGTACTAGAGA-3'
Protein context (NP_001354734.1, residues 687-707): RDREKVTQRS[Val697Ile]SPSPVPLSSN

ClinVar aggregate classification (germline): Uncertain significance. Review status: criteria provided, multiple submitters, no conflicts (2 of 4 stars). 3 submissions from 3 submitters: Uncertain significance (3). Last evaluated 2025-10-31.

Allele frequency attached by ClinVar (database versions not stated): ESP Exome Variant Server 0.00008.
gnomAD v4.1: 56 of 1,611,856 alleles (0.0035%); highest among the groups gnomAD compares: African/African-American, 0.068%; no homozygotes.

Submissions (3):

Labcorp Genetics (formerly Invitae), Labcorp
Classification: Uncertain significance. Last evaluated: 2025-10-31. Review status: criteria provided, single submitter. Criteria: Invitae Variant Classification Sherloc (09022015). Collection method: clinical testing. Allele origin: germline.
Comment: This sequence change replaces valine, which is neutral and non-polar, with isoleucine, which is neutral and non-polar, at codon 683 of the KIF23 protein (p.Val683Ile). This variant is present in population databases (rs376569877, gnomAD 0.04%). This variant has not been reported in the literature in individuals affected with KIF23-related conditions. ClinVar contains an entry for this variant (Variation ID: 1693650). Invitae Evidence Modeling of protein sequence and biophysical properties (such as structural, functional, and spatial information, amino acid conservation, physicochemical variation, residue mobility, and thermodynamic stability) indicates that this missense variant is not expected to disrupt KIF23 protein function with a negative predictive value of 80%. In summary, the available evidence is currently insufficient to determine the role of this variant in disease. Therefore, it has been classified as a Variant of Uncertain Significance.

Revvity Omics, Revvity
Classification: Uncertain significance. Last evaluated: 2024-12-15. Review status: criteria provided, single submitter. Criteria: ACMG Guidelines, 2015. Collection method: clinical testing. Allele origin: germline.

Mayo Clinic Laboratories, Mayo Clinic
Classification: Uncertain significance. Last evaluated: 2021-11-29. Review status: criteria provided, single submitter. Criteria: ACMG Guidelines, 2015. Collection method: clinical testing. Allele origin: germline.